The following is an entry in ClinVar:

NM_000384.3(APOB):c.693+3A>G

Gene: APOB (apolipoprotein B; minus strand). Cytogenetic location: 2p24.1.
Variant type: single nucleotide variant.
Coding change: c.693+3A>G on transcript NM_000384.3 (MANE Select); 3 bases into the intron after coding-DNA position 693, A replaced by G.
Molecular consequence: intron variant.
Genome position (GRCh38, 1-based): chr2:21,037,097, T>C on the plus strand (A>G on the coding strand, the complement: APOB is on the minus strand). VCF-style: chr2-21037097-T-C. GRCh37 (hg19) VCF-style: chr2-21259969-T-C.
Identifiers: ClinVar variation 4532939 (VCV004532939.1).
Genomic context (GRCh38, chr2:21,037,097, plus strand): 5'-CTGGAATTGTATTAATAAGAGGATGCTCCTTGCTGTGCACGACAGTGCTGACATGGGACT[T>C]ACCATGCCTTTGATGAGAGCAAGTGGGCTGATGCCTGTGCGGATGGGCTTGAAGCGATCA-3'

ClinVar aggregate classification (germline): Uncertain significance (1 of 4 stars; one submission).

gnomAD v4.1: 5 of 1,614,202 alleles (0.00031%); highest among the groups gnomAD compares: Non-Finnish European, 0.00042%; no homozygotes.

Submission:

Quest Diagnostics Nichols Institute San Juan Capistrano
Classification: Uncertain significance. Last evaluated: 2025-10-28. Review status: criteria provided, single submitter. Criteria: Quest Diagnostics criteria. Collection method: clinical testing. Allele origin: unknown.
Comment: The APOB c.693+3A>G variant has not been reported in individuals with APOB-related conditions in the published literature. This variant also has not been reported in large, multi-ethnic general populations (Genome Aggregation Database). Analysis of this variant using software algorithms for the prediction of the effect of nucleotide changes on splicing yielded predictions that this variant does not affect APOB mRNA splicing. Based on the available information, we are unable to determine the clinical significance of this variant.